The following is an entry in ClinVar:

NM_000059.4(BRCA2):c.8754+668A>C

Gene: BRCA2 (BRCA2 DNA repair associated; plus strand). Cytogenetic location: 13q13.1.
Variant type: single nucleotide variant.
Coding change: c.8754+668A>C on transcript NM_000059.4 (MANE Select); 668 bases into the intron after coding-DNA position 8754, A replaced by C.
Molecular consequence: intron variant.
Genome position (GRCh38, 1-based): chr13:32,377,459, A>C. VCF-style: chr13-32377459-A-C. GRCh37 (hg19) VCF-style: chr13-32951596-A-C.
Other names: IVS 21+668A>C.
Identifiers: ClinVar variation 209840 (VCV000209840.1), dbSNP rs9526148, ClinGen allele CA276808.

ClinVar aggregate classification (germline): Benign (3 of 4 stars; one submission).

Conditions:
Breast-ovarian cancer, familial, susceptibility to, 2 (BROVCA2). Also called: BRCA2 Hereditary Breast and Ovarian Cancer. Identifiers: Orphanet 145, MedGen C2675520, MONDO:0012933, OMIM 612555. Disease mechanism: loss of function.

Allele frequency attached by ClinVar (database versions not stated): 1000 Genomes Project 0.20627; 1000 Genomes Project 30x 0.20878; TOPMed 0.24953.
gnomAD v4.1: 38,547 of 151,864 alleles (25%); highest among the groups gnomAD compares: Non-Finnish European, 27%; 5,128 homozygotes.

Submission:

Evidence-based Network for the Interpretation of Germline Mutant Alleles (ENIGMA)
Classification: Benign for Breast-ovarian cancer, familial 2. Last evaluated: 2015-01-12. Review status: reviewed by expert panel. Criteria: ENIGMA BRCA1/2 Classification Criteria (2015). Collection method: curation. Allele origin: germline.
Comment: Class 1 not pathogenic based on frequency >1% in an outbred sampleset. Frequency 0.06294 (Asian), 0.3252 (African), 0.2836 (European), derived from 1000 genomes (2012-04-30).